The following is an entry in ClinVar:

ClinVar aggregate classification (germline): Uncertain significance (1 of 4 stars; one submission).

Conditions:
Charcot-Marie-Tooth disease type 2. Also called: Charcot-Marie-Tooth type 2. Identifiers: Orphanet 64746, MedGen C0270914, MONDO:0018993.

Submission:

Labcorp Genetics (formerly Invitae), Labcorp
Classification: Uncertain significance for Charcot-Marie-Tooth disease type 2. Last evaluated: 2023-06-17. Review status: criteria provided, single submitter. Criteria: Invitae Variant Classification Sherloc (09022015). Collection method: clinical testing. Allele origin: germline.
Comment: This variant has not been reported in the literature in individuals affected with LMNA-related conditions. In summary, the available evidence is currently insufficient to determine the role of this variant in disease. Therefore, it has been classified as a Variant of Uncertain Significance. Advanced modeling of protein sequence and biophysical properties (such as structural, functional, and spatial information, amino acid conservation, physicochemical variation, residue mobility, and thermodynamic stability) performed at Invitae indicates that this missense variant is expected to disrupt LMNA protein function. This variant is not present in population databases (gnomAD no frequency). This sequence change replaces aspartic acid, which is acidic and polar, with tyrosine, which is neutral and polar, at codon 185 of the LMNA protein (p.Asp185Tyr).

NM_170707.4(LMNA):c.553G>T (p.Asp185Tyr)

Gene: LMNA (lamin A/C; plus strand). Cytogenetic location: 1q22.
Variant type: single nucleotide variant.
Coding change: c.553G>T on transcript NM_170707.4 (MANE Select); coding-DNA position 553, G replaced by T.
Protein change: p.Asp185Tyr; replaces aspartic acid 185 with tyrosine.
Molecular consequence: missense variant. On other transcripts: 5 prime UTR variant (11).
Genome position (GRCh38, 1-based): chr1:156,134,442, G>T. VCF-style: chr1-156134442-G-T. GRCh37 (hg19) VCF-style: chr1-156104233-G-T.
Other names: c.-112G>T (NM_001407000.1, NM_001407001.1, NM_001406994.1 and 1 more transcripts); c.-6G>T (NM_001407002.1, NM_001407003.1, NM_001406990.1 and 4 more transcripts); c.553G>T, p.Asp185Tyr (NM_005572.4, NM_170708.4, NM_001282625.2 and 6 more transcripts); c.217G>T, p.Asp73Tyr (NM_001257374.3, NM_001406989.1, NM_001406998.1); c.310G>T, p.Asp104Tyr (NM_001282624.2, NM_001406986.1, NM_001406987.1); c.256G>T, p.Asp86Tyr (NM_001406988.1); short protein forms D104Y, D73Y, D86Y, D185Y.
Identifiers: ClinVar variation 2718372 (VCV002718372.3), dbSNP rs2527966908, ClinGen allele CA342816809.
Genomic context (GRCh38, chr1:156,134,442, plus strand): 5'-TCTCTGCCTGCTTCCTCACAGCTTGAGGCAGCCCTAGGTGAGGCCAAGAAGCAACTTCAG[G>T]ATGAGATGCTGCGGCGGGTGGATGCTGAGAACAGGCTGCAGACCATGAAGGAGGAACTGG-3'
Protein context (NP_733821.1, residues 175-195): ALGEAKKQLQ[Asp185Tyr]EMLRRVDAEN